The following is an entry in ClinVar:

NM_015629.4(PRPF31):c.1069C>T (p.Arg357Cys)

Gene: PRPF31 (pre-mRNA processing factor 31; plus strand). Cytogenetic location: 19q13.42.
Variant type: single nucleotide variant.
Coding change: c.1069C>T on transcript NM_015629.4 (MANE Select); coding-DNA position 1069, C replaced by T.
Protein change: p.Arg357Cys; replaces arginine 357 with cysteine.
Molecular consequence: missense variant.
Genome position (GRCh38, 1-based): chr19:54,128,196, C>T. VCF-style: chr19-54128196-C-T. GRCh37 (hg19) VCF-style: chr19-54631571-C-T.
Other names: c.1069C>T (NM_015629.3); short protein forms R357C.
Identifiers: ClinVar variation 193721 (VCV000193721.11), dbSNP rs794727002, ClinGen allele CA239330.

ClinVar aggregate classification (germline): Uncertain significance. Review status: criteria provided, multiple submitters, no conflicts (2 of 4 stars). 3 submissions from 3 submitters: Uncertain significance (3). Last evaluated 2025-08-23.

Conditions:
Inborn genetic diseases. Identifiers: MedGen C0950123, MeSH D030342.

Allele frequency attached by ClinVar (database versions not stated): gnomAD exomes below 0.00001; TOPMed below 0.00001; gnomAD 0.00001.
gnomAD v4.1: 6 of 1,570,866 alleles (0.00038%); highest among the groups gnomAD compares: Non-Finnish European, 0.00052%; no homozygotes.

Submissions (3):

Ambry Genetics
Classification: Uncertain significance for Inborn genetic diseases. Last evaluated: 2025-08-23. Review status: criteria provided, single submitter. Criteria: Ambry Variant Classification Scheme 2023. Collection method: clinical testing. Allele origin: germline.

Labcorp Genetics (formerly Invitae), Labcorp
Classification: Uncertain significance. Last evaluated: 2022-08-21. Review status: criteria provided, single submitter. Criteria: Invitae Variant Classification Sherloc (09022015). Collection method: clinical testing. Allele origin: germline.
Comment: In summary, the available evidence is currently insufficient to determine the role of this variant in disease. Therefore, it has been classified as a Variant of Uncertain Significance. Algorithms developed to predict the effect of missense changes on protein structure and function (SIFT, PolyPhen-2, Align-GVGD) all suggest that this variant is likely to be disruptive. ClinVar contains an entry for this variant (Variation ID: 193721). This variant has not been reported in the literature in individuals affected with PRPF31-related conditions. This variant is present in population databases (rs794727002, gnomAD 0.007%). This sequence change replaces arginine, which is basic and polar, with cysteine, which is neutral and slightly polar, at codon 357 of the PRPF31 protein (p.Arg357Cys).

Eurofins Ntd Llc (ga)
Classification: Uncertain significance. Last evaluated: 2014-06-25. Review status: criteria provided, single submitter. Criteria: EGL Classification Definitions 2015. Collection method: clinical testing. Allele origin: germline. Observed: 1 variant allele, 1 heterozygote.